The following is an entry in ClinVar:

NM_002485.5(NBN):c.896+3A>G

Gene: NBN (nibrin; minus strand). Cytogenetic location: 8q21.3.
Variant type: single nucleotide variant.
Coding change: c.896+3A>G on transcript NM_002485.5 (MANE Select); 3 bases into the intron after coding-DNA position 896, A replaced by G.
Molecular consequence: intron variant.
Genome position (GRCh38, 1-based): chr8:89,970,361, T>C on the plus strand (A>G on the coding strand, the complement: NBN is on the minus strand). VCF-style: chr8-89970361-T-C. GRCh37 (hg19) VCF-style: chr8-90982589-T-C.
Other names: c.650+3A>G (NM_001024688.3).
Identifiers: ClinVar variation 968292 (VCV000968292.6), dbSNP rs1158019133, ClinGen allele CA1139660643.

ClinVar aggregate classification (germline): Uncertain significance (1 of 4 stars; one submission).

Conditions:
Microcephaly, normal intelligence and immunodeficiency (NBS). Also called: Nijmegen breakage syndrome; Microcephaly with normal intelligence immunodeficiency and lymphoreticular malignancies; Nonsyndromal microcephaly autosomal recessive with normal intelligence; Seemanova syndrome 2; IMMUNODEFICIENCY, MICROCEPHALY, AND CHROMOSOMAL INSTABILITY; Ataxia telangiectasia variant V1. Identifiers: Orphanet 647, MedGen C0398791, MONDO:0009623, OMIM 251260.

gnomAD v4.1: 2 of 1,600,118 alleles (0.00012%); highest among the groups gnomAD compares: South Asian, 0.0011%; no homozygotes.

Submission:

Labcorp Genetics (formerly Invitae), Labcorp
Classification: Uncertain significance for Microcephaly, normal intelligence and immunodeficiency. Last evaluated: 2023-03-13. Review status: criteria provided, single submitter. Criteria: Invitae Variant Classification Sherloc (09022015). Collection method: clinical testing. Allele origin: germline.
Comment: In summary, the available evidence is currently insufficient to determine the role of this variant in disease. Therefore, it has been classified as a Variant of Uncertain Significance. Variants that disrupt the consensus splice site are a relatively common cause of aberrant splicing (PMID: 17576681, 9536098). Algorithms developed to predict the effect of sequence changes on RNA splicing suggest that this variant may disrupt the consensus splice site. ClinVar contains an entry for this variant (Variation ID: 968292). This variant has not been reported in the literature in individuals affected with NBN-related conditions. This variant is not present in population databases (gnomAD no frequency). This sequence change falls in intron 7 of the NBN gene. It does not directly change the encoded amino acid sequence of the NBN protein. It affects a nucleotide within the consensus splice site.

Literature cited by the submitters: PubMed 17576681; PubMed 9536098.